The following is an entry in ClinVar:

ClinVar aggregate classification (germline): Likely benign (1 of 4 stars; one submission).

Conditions:
NRP1-related disorder. Also called: NRP1-related condition.

gnomAD v4.1: 31 of 1,610,016 alleles (0.0019%); highest among the groups gnomAD compares: South Asian, 0.027%; no homozygotes.

Submission:

PreventionGenetics, part of Exact Sciences
Classification: Likely benign for NRP1-related condition. Last evaluated: 2026-06-30. Review status: criteria provided, single submitter. Criteria: ACMG Guidelines, 2015. Collection method: clinical testing. Allele origin: germline.
Comment: This variant is classified as likely benign based on ACMG/AMP sequence variant interpretation guidelines (Richards et al. 2015 PMID: 25741868, with internal and published modifications).

NM_003873.7(NRP1):c.111G>A (p.Gly37=)

Gene: NRP1 (neuropilin 1; minus strand). Cytogenetic location: 10p11.22.
Variant type: single nucleotide variant.
Coding change: c.111G>A on transcript NM_003873.7 (MANE Select); coding-DNA position 111, G replaced by A.
Protein change: p.Gly37=; no amino-acid change (glycine 37 retained).
Molecular consequence: synonymous variant. On other transcripts: non-coding transcript variant (1).
Genome position (GRCh38, 1-based): chr10:33,330,845, C>T on the plus strand (G>A on the coding strand, the complement: NRP1 is on the minus strand). VCF-style: chr10-33330845-C-T. GRCh37 (hg19) VCF-style: chr10-33619773-C-T.
Other names: c.111G>A, p.Gly37= (NM_001024628.3, NM_001024629.3, NM_001244972.2 and 2 more transcripts).
Identifiers: ClinVar variation 4988379 (VCV004988379.1).
Genomic context (GRCh38, chr10:33,330,845, plus strand): 5'-CAGCCATTCGCATTTTTCACTTGGGTGATAAGAATGAGGATAACCAGGAGATGTAAGGTA[C>T]CCGGGGCTTTCAATTTTTATAGTATCGCCACATTTATCTGCAATGAAAGTAAGATTTTAG-3'
Protein context (NP_003864.5, residues 27-47): CGDTIKIESP[Gly37=]YLTSPGYPHS